The following is an entry in ClinVar:

NM_003242.6(TGFBR2):c.1275G>A (p.Met425Ile)

Gene: TGFBR2 (transforming growth factor beta receptor 2; plus strand). Cytogenetic location: 3p24.1.
Variant type: single nucleotide variant.
Coding change: c.1275G>A on transcript NM_003242.6 (MANE Select); coding-DNA position 1275, G replaced by A.
Protein change: p.Met425Ile; replaces methionine 425 with isoleucine.
Molecular consequence: missense variant.
Genome position (GRCh38, 1-based): chr3:30,674,125, G>A. VCF-style: chr3-30674125-G-A. GRCh37 (hg19) VCF-style: chr3-30715617-G-A.
Other names: c.1350G>A, p.Met450Ile (NM_001024847.3); c.1458G>A, p.Met486Ile (NM_001407126.1); c.1383G>A, p.Met461Ile (NM_001407127.1); c.1302G>A, p.Met434Ile (NM_001407128.1); c.1278G>A, p.Met426Ile (NM_001407129.1); c.1275G>A, p.Met425Ile (NM_001407130.1); c.1170G>A, p.Met390Ile (NM_001407132.1, NM_001407133.1, NM_001407134.1 and 2 more transcripts); c.990G>A, p.Met330Ile (NM_001407137.1); and 1 more; short protein forms M426I, M434I, M450I, M486I, M305I, M330I, M390I, M425I.
Identifiers: ClinVar variation 1766434 (VCV001766434.7), dbSNP rs1699391960, ClinGen allele CA351808909.

ClinVar aggregate classification (germline): Conflicting classifications of pathogenicity. Review status: criteria provided, conflicting classifications (1 of 4 stars). 2 submissions from 2 submitters: Likely pathogenic (1); Uncertain significance (1). Last evaluated 2022-08-24.

Conditions:
Familial thoracic aortic aneurysm and aortic dissection (TAAD). Also called: Thoracic aortic aneurysms and dissections. Identifiers: Orphanet 91387, MedGen C4707243, MONDO:0019625.

Submissions (2):

Labcorp Genetics (formerly Invitae), Labcorp
Classification: Likely pathogenic for Familial thoracic aortic aneurysm and aortic dissection. Last evaluated: 2022-08-24. Review status: criteria provided, single submitter. Criteria: Invitae Variant Classification Sherloc (09022015). Collection method: clinical testing. Allele origin: germline.
Comment: In summary, the currently available evidence indicates that the variant is pathogenic, but additional data are needed to prove that conclusively. Therefore, this variant has been classified as Likely Pathogenic. This variant disrupts the p.Met425 amino acid residue in TGFBR2. Other variant(s) that disrupt this residue have been determined to be pathogenic (PMID: 16251899, 18781618; Invitae). This suggests that this residue is clinically significant, and that variants that disrupt this residue are likely to be disease-causing. Advanced modeling of protein sequence and biophysical properties (such as structural, functional, and spatial information, amino acid conservation, physicochemical variation, residue mobility, and thermodynamic stability) performed at Invitae indicates that this missense variant is expected to disrupt TGFBR2 protein function. This variant has not been reported in the literature in individuals affected with TGFBR2-related conditions. This variant is not present in population databases (gnomAD no frequency). This sequence change replaces methionine, which is neutral and non-polar, with isoleucine, which is neutral and non-polar, at codon 425 of the TGFBR2 protein (p.Met425Ile).

Ambry Genetics
Classification: Uncertain significance for Familial thoracic aortic aneurysm and aortic dissection. Last evaluated: 2016-07-19. Review status: criteria provided, single submitter. Criteria: Ambry Variant Classification Scheme 2023. Collection method: clinical testing. Allele origin: germline.
Comment: The p.M425I variant (also known as c.1275G>A), located in coding exon 5 of the TGFBR2 gene, results from a G to A substitution at nucleotide position 1275. The methionine at codon 425 is replaced by isoleucine, an amino acid with highly similar properties. A different alteration at the same amino acid (p.M425V) was reported in two individuals with a clinical diagnosis of Marfan syndrome (Disabella E et al. Eur. J. Hum. Genet. 2006;14:34-8, Stheneur C et al. Hum. Mutat. 2008;29:E284-95). This variant was not reported in population based cohorts in the following databases: Database of Single Nucleotide Polymorphisms (dbSNP), NHLBI Exome Sequencing Project (ESP), and 1000 Genomes Project. In the ESP, this variant was not observed in 6503 samples (13006 alleles) with coverage at this position. This amino acid position is highly conserved in available vertebrate species. In addition, this alteration is predicted to be deleterious by in silico analysis. Since supporting evidence is limited at this time, the clinical significance of this variant remains unclear.

Literature cited by the submitters: PubMed 16251899 (cited by Labcorp Genetics (formerly Invitae), Labcorp and Ambry Genetics); PubMed 18781618 (cited by Labcorp Genetics (formerly Invitae), Labcorp and Ambry Genetics).